The following is an entry in ClinVar:

NM_001355436.2(SPTB):c.5581C>T (p.Arg1861Cys)

Gene: SPTB (spectrin beta, erythrocytic; minus strand). Cytogenetic location: 14q23.3.
Variant type: single nucleotide variant.
Coding change: c.5581C>T on transcript NM_001355436.2 (MANE Select); coding-DNA position 5581, C replaced by T.
Protein change: p.Arg1861Cys; replaces arginine 1861 with cysteine.
Molecular consequence: missense variant.
Genome position (GRCh38, 1-based): chr14:64,771,102, G>A on the plus strand (C>T on the coding strand, the complement: SPTB is on the minus strand). VCF-style: chr14-64771102-G-A. GRCh37 (hg19) VCF-style: chr14-65237820-G-A.
Other names: c.5581C>T, p.Arg1861Cys (NM_001024858.4, NM_001355437.2); short protein forms R1861C.
Identifiers: ClinVar variation 3610274 (VCV003610274.2).

ClinVar aggregate classification (germline): Uncertain significance (1 of 4 stars; one submission).

gnomAD v4.1: 14 of 1,613,840 alleles (0.00087%); highest among the groups gnomAD compares: East Asian, 0.0022%; no homozygotes.

Submission:

Labcorp Genetics (formerly Invitae), Labcorp
Classification: Uncertain significance. Last evaluated: 2024-07-12. Review status: criteria provided, single submitter. Criteria: Invitae Variant Classification Sherloc (09022015). Collection method: clinical testing. Allele origin: germline.
Comment: This sequence change replaces arginine, which is basic and polar, with cysteine, which is neutral and slightly polar, at codon 1861 of the SPTB protein (p.Arg1861Cys). The frequency data for this variant in the population databases is considered unreliable, as metrics indicate poor data quality at this position in the gnomAD database. This variant has not been reported in the literature in individuals affected with SPTB-related conditions. An algorithm developed to predict the effect of missense changes on protein structure and function (PolyPhen-2) suggests that this variant is likely to be disruptive. In summary, the available evidence is currently insufficient to determine the role of this variant in disease. Therefore, it has been classified as a Variant of Uncertain Significance.